The following is an entry in ClinVar:

ClinVar aggregate classification (germline): Uncertain significance. Review status: criteria provided, multiple submitters, no conflicts (2 of 4 stars). 2 submissions from 2 submitters: Uncertain significance (2). Last evaluated 2025-04-28.

Conditions:
Inborn genetic diseases. Identifiers: MedGen C0950123, MeSH D030342.

Allele frequency attached by ClinVar (database versions not stated): gnomAD exomes 0.00002; ExAC 0.00003; gnomAD 0.00005; TOPMed 0.00006.
gnomAD v4.1: 39 of 1,613,898 alleles (0.0024%); highest among the groups gnomAD compares: South Asian, 0.0066%; no homozygotes.

Submissions (2):

Labcorp Genetics (formerly Invitae), Labcorp
Classification: Uncertain significance. Last evaluated: 2025-04-28. Review status: criteria provided, single submitter. Criteria: Invitae Variant Classification Sherloc (09022015). Collection method: clinical testing. Allele origin: germline.
Comment: This sequence change replaces asparagine, which is neutral and polar, with serine, which is neutral and polar, at codon 2951 of the HERC1 protein (p.Asn2951Ser). This variant is present in population databases (rs761739102, gnomAD 0.006%). This variant has not been reported in the literature in individuals affected with HERC1-related conditions. ClinVar contains an entry for this variant (Variation ID: 1363355). An algorithm developed to predict the effect of missense changes on protein structure and function outputs the following: PolyPhen-2: "Benign". The serine amino acid residue is found in multiple mammalian species, which suggests that this missense change does not adversely affect protein function. In summary, the available evidence is currently insufficient to determine the role of this variant in disease. Therefore, it has been classified as a Variant of Uncertain Significance.

Ambry Genetics
Classification: Uncertain significance for Inborn genetic diseases. Last evaluated: 2021-09-27. Review status: criteria provided, single submitter. Criteria: Ambry Variant Classification Scheme 2023. Collection method: clinical testing. Allele origin: germline.

NM_003922.4(HERC1):c.8852A>G (p.Asn2951Ser)

Gene: HERC1 (HECT and RLD domain containing E3 ubiquitin protein ligase family member 1; minus strand). Cytogenetic location: 15q22.31.
Variant type: single nucleotide variant.
Coding change: c.8852A>G on transcript NM_003922.4 (MANE Select); coding-DNA position 8852, A replaced by G.
Protein change: p.Asn2951Ser; replaces asparagine 2951 with serine.
Molecular consequence: missense variant.
Genome position (GRCh38, 1-based): chr15:63,663,033, T>C on the plus strand (A>G on the coding strand, the complement: HERC1 is on the minus strand). VCF-style: chr15-63663033-T-C. GRCh37 (hg19) VCF-style: chr15-63955232-T-C.
Other names: c.8852A>G (NM_003922.3); short protein forms N2951S.
Identifiers: ClinVar variation 1363355 (VCV001363355.7), dbSNP rs761739102, ClinGen allele CA7604846.